The following is an entry in ClinVar:

NM_000140.5(FECH):c.954dup (p.Ile319fs)

Gene: FECH (ferrochelatase; minus strand). Cytogenetic location: 18q21.31.
Variant type: Duplication.
Coding change: c.954dup on transcript NM_000140.5 (MANE Select); coding-DNA position 954, one base duplicated (T; older notation c.954dupT).
Protein change: p.Ile319fs; shifts the reading frame from isoleucine 319.
Molecular consequence: frameshift variant.
Genome position (GRCh38, 1-based): chr18:57,554,383, A duplicated on the plus strand (T on the coding strand, the reverse complement: FECH is on the minus strand). VCF-style (leftmost placement, unchanged base first): chr18-57554382-T-TA. GRCh37 (hg19) VCF-style: chr18-55221614-T-TA.
Other names: p.Ile319Tyrfs*6; c.954dup (NM_000140.4); c.972dup, p.Ile325fs (NM_001012515.4); c.855dup, p.Ile286fs (NM_001371094.1); c.738dup, p.Ile247fs (NM_001371095.1); c.954dup, p.Ile319fs (NM_001374778.1); short protein forms I247fs, I286fs, I319fs, I325fs.
Identifiers: ClinVar variation 2727476 (VCV002727476.4), dbSNP rs2511517542, ClinGen allele CA2697555546.
Genomic context (GRCh38, chr18:57,554,382, plus strand): 5'-TGGTAAATGCTATCGGAACCAAGAGGATATTCTTCCTCCCCCTCTCACAAAGCCCTTTGA[T>TA]AGATTCGTCTGTTTGAGGACCCAACCAGGGCATTGGACCAACCTATGCGAAAGATAGACG-3'

ClinVar aggregate classification (germline): Pathogenic. Review status: criteria provided, multiple submitters, no conflicts (2 of 4 stars). 2 submissions from 2 submitters: Pathogenic (2). Last evaluated 2024-06-05.

Submissions (2):

Mayo Clinic Laboratories, Mayo Clinic
Classification: Pathogenic. Last evaluated: 2024-06-05. Review status: criteria provided, single submitter. Criteria: ACMG Guidelines, 2015. Collection method: clinical testing. Allele origin: germline. Observed: 1 variant allele.
Comment: PM2, PVS1

Labcorp Genetics (formerly Invitae), Labcorp
Classification: Pathogenic. Last evaluated: 2023-06-24. Review status: criteria provided, single submitter. Criteria: Invitae Variant Classification Sherloc (09022015). Collection method: clinical testing. Allele origin: germline.
Comment: For these reasons, this variant has been classified as Pathogenic. This variant has not been reported in the literature in individuals affected with FECH-related conditions. This variant is not present in population databases (gnomAD no frequency). This sequence change creates a premature translational stop signal (p.Ile319Tyrfs*6) in the FECH gene. It is expected to result in an absent or disrupted protein product. Loss-of-function variants in FECH are known to be pathogenic (PMID: 20105171, 23016163, 23364466).

Literature cited by the submitters: PubMed 20105171 (cited by Labcorp Genetics (formerly Invitae), Labcorp); PubMed 23016163 (cited by Labcorp Genetics (formerly Invitae), Labcorp); PubMed 23364466 (cited by Labcorp Genetics (formerly Invitae), Labcorp).